The following is an entry in ClinVar:

NM_001430.5(EPAS1):c.2260A>G (p.Lys754Glu)

Gene: EPAS1 (endothelial PAS domain protein 1; plus strand). Cytogenetic location: 2p21.
Variant type: single nucleotide variant.
Coding change: c.2260A>G on transcript NM_001430.5 (MANE Select); coding-DNA position 2260, A replaced by G.
Protein change: p.Lys754Glu; replaces lysine 754 with glutamic acid.
Molecular consequence: missense variant.
Genome position (GRCh38, 1-based): chr2:46,382,062, A>G. VCF-style: chr2-46382062-A-G. GRCh37 (hg19) VCF-style: chr2-46609201-A-G.
Other names: short protein forms K754E.
Identifiers: ClinVar variation 1788623 (VCV001788623.3), dbSNP rs2546480202, ClinGen allele CA346705876.
Genomic context (GRCh38, chr2:46,382,062, plus strand): 5'-CATTTGATGTGGAAACGGATGAAGAACCTCAGGGGTGGGAGCTGCCCTTTGATGCCGGAC[A>G]AGCCACTGAGCGCAAATGTACCCAATGGTGAGCAGCGGCCACAGGCCTGGGCCTCCTGGG-3'
Protein context (NP_001421.2, residues 744-764): RGGSCPLMPD[Lys754Glu]PLSANVPNDK

ClinVar aggregate classification (germline): Uncertain significance (1 of 4 stars; one submission).

Conditions:
Inborn genetic diseases. Identifiers: MedGen C0950123, MeSH D030342.

Submission:

Ambry Genetics
Classification: Uncertain significance for Inborn genetic diseases. Last evaluated: 2023-07-27. Review status: criteria provided, single submitter. Criteria: Ambry Variant Classification Scheme 2023. Collection method: clinical testing. Allele origin: germline.
Comment: The p.K754E variant (also known as c.2260A>G), located in coding exon 14 of the EPAS1 gene, results from an A to G substitution at nucleotide position 2260. The lysine at codon 754 is replaced by glutamic acid, an amino acid with similar properties. This amino acid position is conserved. In addition, the in silico prediction for this alteration is inconclusive. Since supporting evidence is limited at this time, the clinical significance of this alteration remains unclear.